The following is an entry in ClinVar:

NM_000152.5(GAA):c.1250A>G (p.Asn417Ser)

Gene: GAA (alpha glucosidase; plus strand). Cytogenetic location: 17q25.3.
Variant type: single nucleotide variant.
Coding change: c.1250A>G on transcript NM_000152.5 (MANE Select); coding-DNA position 1250, A replaced by G.
Protein change: p.Asn417Ser; replaces asparagine 417 with serine.
Molecular consequence: missense variant.
Genome position (GRCh38, 1-based): chr17:80,108,752, A>G. VCF-style: chr17-80108752-A-G. GRCh37 (hg19) VCF-style: chr17-78082551-A-G.
Other names: c.1250A>G, p.Asn417Ser (NM_001079803.3, NM_001079804.3, NM_001406741.1 and 1 more transcripts); short protein forms N417S.
Identifiers: ClinVar variation 3665378 (VCV003665378.2).
Genomic context (GRCh38, chr17:80,108,752, plus strand): 5'-TGCAGGACGTCCAGTGGAACGACCTGGACTACATGGACTCCCGGAGGGACTTCACGTTCA[A>G]CAAGGATGGCTTCCGGGACTTCCCGGCCATGGTGCAGGAGCTGCACCAGGGCGGCCGGCG-3'
Protein context (NP_000143.2, residues 407-427): YMDSRRDFTF[Asn417Ser]KDGFRDFPAM

ClinVar aggregate classification (germline): Uncertain significance (1 of 4 stars; one submission).

Conditions:
Glycogen storage disease, type II (IOPD). Also called: Pompe Disease; POMPE DISEASE, INFANTILE-ONSET; GLYCOGEN STORAGE DISEASE II, INFANTILE-ONSET; ACID ALPHA-GLUCOSIDASE DEFICIENCY, INFANTILE-ONSET; GAA DEFICIENCY, INFANTILE-ONSET; ACID MALTASE DEFICIENCY, INFANTILE-ONSET. Identifiers: Orphanet 365, MedGen C0017921, MONDO:0009290, OMIM 232300.

Submission:

Labcorp Genetics (formerly Invitae), Labcorp
Classification: Uncertain significance for Glycogen storage disease, type II. Last evaluated: 2024-11-08. Review status: criteria provided, single submitter. Criteria: Invitae Variant Classification Sherloc (09022015). Collection method: clinical testing. Allele origin: germline.
Comment: This sequence change replaces asparagine, which is neutral and polar, with serine, which is neutral and polar, at codon 417 of the GAA protein (p.Asn417Ser). This variant is not present in population databases (gnomAD no frequency). This variant has not been reported in the literature in individuals affected with GAA-related conditions. Invitae Evidence Modeling of protein sequence and biophysical properties (such as structural, functional, and spatial information, amino acid conservation, physicochemical variation, residue mobility, and thermodynamic stability) has been performed for this missense variant. However, the output from this modeling did not meet the statistical confidence thresholds required to predict the impact of this variant on GAA protein function. In summary, the available evidence is currently insufficient to determine the role of this variant in disease. Therefore, it has been classified as a Variant of Uncertain Significance.